The following is an entry in ClinVar:

ClinVar aggregate classification (germline): Uncertain significance. Review status: criteria provided, multiple submitters, no conflicts (2 of 4 stars). 6 submissions from 6 submitters: Uncertain significance (6). Last evaluated 2025-04-15.

Conditions:
Familial thoracic aortic aneurysm and aortic dissection (TAAD). Also called: Thoracic aortic aneurysms and dissections. Identifiers: Orphanet 91387, MedGen C4707243, MONDO:0019625.
Loeys-Dietz syndrome (LDS). Identifiers: Orphanet 60030, MedGen C2697932, MONDO:0018954.

Allele frequency attached by ClinVar (database versions not stated): TOPMed 0.00002.

Submissions (6):

Labcorp Genetics (formerly Invitae), Labcorp
Classification: Uncertain significance for Familial thoracic aortic aneurysm and aortic dissection. Last evaluated: 2025-04-15. Review status: criteria provided, single submitter. Criteria: Invitae Variant Classification Sherloc (09022015). Collection method: clinical testing. Allele origin: germline.
Comment: This sequence change replaces arginine, which is basic and polar, with glutamine, which is neutral and polar, at codon 157 of the TGFBR1 protein (p.Arg157Gln). This variant is not present in population databases (gnomAD no frequency). This variant has not been reported in the literature in individuals affected with TGFBR1-related conditions. ClinVar contains an entry for this variant (Variation ID: 920378). Invitae Evidence Modeling of protein sequence and biophysical properties (such as structural, functional, and spatial information, amino acid conservation, physicochemical variation, residue mobility, and thermodynamic stability) indicates that this missense variant is not expected to disrupt TGFBR1 protein function with a negative predictive value of 95%. In summary, the available evidence is currently insufficient to determine the role of this variant in disease. Therefore, it has been classified as a Variant of Uncertain Significance.

GeneDx
Classification: Uncertain significance. Last evaluated: 2024-07-08. Review status: criteria provided, single submitter. Criteria: GeneDx Variant Classification Process June 2021. Collection method: clinical testing. Allele origin: germline. Affected: yes.
Comment: Not observed at significant frequency in large population cohorts (gnomAD); In silico analysis indicates that this missense variant does not alter protein structure/function; Has not been previously published as pathogenic or benign to our knowledge

Color Diagnostics, LLC DBA Color Health
Classification: Uncertain significance for Familial thoracic aortic aneurysm and aortic dissection. Last evaluated: 2024-01-17. Review status: criteria provided, single submitter. Criteria: ACMG Guidelines, 2015. Collection method: clinical testing. Allele origin: germline.
Comment: This missense variant replaces arginine with glutamine at codon 157 of the TGFBR1 protein. Computational prediction suggests that this variant may not impact protein structure and function (internally defined REVEL score threshold <= 0.5, PMID: 27666373). To our knowledge, functional studies have not been reported for this variant. This variant has not been reported in individuals affected with TGFBR1-related disorders in the literature. This variant has not been identified in the general population by the Genome Aggregation Database (gnomAD). The available evidence is insufficient to determine the role of this variant in disease conclusively. Therefore, this variant is classified as a Variant of Uncertain Significance.

All of Us Research Program, National Institutes of Health
Classification: Uncertain significance for Loeys-Dietz syndrome. Last evaluated: 2023-11-16. Review status: criteria provided, single submitter. Criteria: ACMG Guidelines, 2015. Collection method: clinical testing. Allele origin: germline. Inheritance: Autosomal dominant inheritance. Observed: 1 variant allele, 1 heterozygote.
Comment: This missense variant replaces arginine with glutamine at codon 157 of the TGFBR1 protein. Computational prediction tools and conservation analyses are inconclusive regarding the impact of this variant on the protein function. Computational splicing tools suggest that this variant may not impact RNA splicing. To our knowledge, functional assays have not been performed for this variant nor has this variant been reported in individuals affected with cardiovascular disorders in the literature. This variant has not been identified in the general population by the Genome Aggregation Database (gnomAD). Available evidence is insufficient to determine the role of this variant in disease conclusively. Therefore, this variant is classified as a Variant of Uncertain Significance.

This study involves interpretation of variants in research participants for the purpose of population health screening. Participant phenotype was not available at the time of variant classification. Additional details can be found in publication PMID: 35346344, PMCID: PMC8962531

ARUP Laboratories, Molecular Genetics and Genomics, ARUP Laboratories
Classification: Uncertain significance. Last evaluated: 2023-09-06. Review status: criteria provided, single submitter. Criteria: ARUP Molecular Germline Variant Investigation Process 2024. Collection method: clinical testing. Allele origin: germline.
Comment: The TGFBR1 c.470G>A; p.Arg157Gln variant (rs147146713), to our knowledge, is not reported in the medical literature but is reported in ClinVar (Variation ID: 920378). This variant is absent from the Genome Aggregation Database, indicating it is not a common polymorphism. Computational analyses are uncertain whether this variant is neutral or deleterious (REVEL: 0.157). Due to limited information, the clinical significance of this variant is uncertain at this time.

CeGaT Center for Human Genetics Tuebingen
Classification: Uncertain significance. Last evaluated: 2021-11-01. Review status: criteria provided, single submitter. Criteria: CeGaT Center For Human Genetics Tuebingen Variant Classification Criteria Version 2. Collection method: clinical testing. Allele origin: germline. Affected: yes. Observed: 1 variant allele.

NM_004612.4(TGFBR1):c.470G>A (p.Arg157Gln)

Gene: TGFBR1 (transforming growth factor beta receptor 1; plus strand). Cytogenetic location: 9q22.33.
Variant type: single nucleotide variant.
Coding change: c.470G>A on transcript NM_004612.4 (MANE Select); coding-DNA position 470, G replaced by A.
Protein change: p.Arg157Gln; replaces arginine 157 with glutamine.
Molecular consequence: missense variant. On other transcripts: intron variant (1).
Genome position (GRCh38, 1-based): chr9:99,132,635, G>A. VCF-style: chr9-99132635-G-A. GRCh37 (hg19) VCF-style: chr9-101894917-G-A.
Other names: c.482G>A, p.Arg161Gln (NM_001306210.2); c.343+3535G>A (NM_001130916.3); c.470G>A (NM_004612.2); short protein forms R161Q, R157Q.
Identifiers: ClinVar variation 920378 (VCV000920378.45), dbSNP rs147146713, ClinGen allele CA374228146.